The following is an entry in ClinVar:

NM_000080.4(CHRNE):c.569dup (p.Asn190fs)

Genes: CHRNE (cholinergic receptor nicotinic epsilon subunit; minus strand), C17orf107 (chromosome 17 open reading frame 107; plus strand). Cytogenetic location: 17p13.2.
Variant type: Duplication.
Coding change: c.569dup on transcript NM_000080.4 (MANE Select); coding-DNA position 569, one base duplicated (A; older notation c.569dupA).
Protein change: p.Asn190fs; shifts the reading frame from asparagine 190.
Molecular consequence: frameshift variant. On other transcripts: 3 prime UTR variant (1).
Genome position (GRCh38, 1-based): chr17:4,901,557, T duplicated on the plus strand (A on the coding strand, the reverse complement: CHRNE is on the minus strand); the first of 2 consecutive T bases (chr17:4,901,557-4,901,558); duplicating either gives the same sequence. VCF-style (leftmost placement, unchanged base first): chr17-4901556-G-GT. GRCh37 (hg19) VCF-style: chr17-4804851-G-GT.
Other names: c.*1025dup (NM_001145536.2); short protein forms N190fs.
Identifiers: ClinVar variation 2736401 (VCV002736401.4), dbSNP rs1969985315, ClinGen allele CA980965653.
Genomic context (GRCh38, chr17:4,901,556, plus strand): 5'-GGGTTTTTCTGAGCAGGCAGGGGCTTCACCAGTATAGGCCTCTGTGTCGATGTCGATCTT[G>GT]TTGATGGTCTTGCCGTCGTTGTCTACGGCAAAAGTGAACTCCACCTCTTCGGCATTGTAC-3'

ClinVar aggregate classification (germline): Pathogenic. Review status: criteria provided, multiple submitters, no conflicts (2 of 4 stars). 2 submissions from 2 submitters: Pathogenic (2). Last evaluated 2024-04-12.

Conditions:
Congenital myasthenic syndrome 4A. Also called: Myasthenic syndrome, congenital, 4a, slow-channel; CONGENITAL MYASTHENIC SYNDROME TYPE Ia1; MYASTHENIC SYNDROME, CONGENITAL, 4A, SLOW-CHANNEL, AUTOSOMAL RECESSIVE. Identifiers: Orphanet 590, MedGen C4225413, MONDO:0011600, OMIM 605809.
Congenital myasthenic syndrome 4B. Also called: Myasthenic syndrome, congenital, 4b, fast-channel. Identifiers: Orphanet 590, MedGen C4225369, MONDO:0014586, OMIM 616324.
Congenital myasthenic syndrome 4C (CMS4C). Also called: Myasthenic syndrome, congenital, associated with acetylcholine receptor deficiency. Identifiers: Orphanet 590, MedGen C1837091, MONDO:0012157, OMIM 608931.

Submissions (2):

Fulgent Genetics
Classification: Pathogenic for Congenital myasthenic syndrome 4A; Congenital myasthenic syndrome 4C; Congenital myasthenic syndrome 4B. Last evaluated: 2024-04-12. Review status: criteria provided, single submitter. Criteria: ACMG Guidelines, 2015. Collection method: clinical testing. Allele origin: germline.

Labcorp Genetics (formerly Invitae), Labcorp
Classification: Pathogenic for Congenital myasthenic syndrome 4A. Last evaluated: 2023-01-13. Review status: criteria provided, single submitter. Criteria: Invitae Variant Classification Sherloc (09022015). Collection method: clinical testing. Allele origin: germline.
Comment: This sequence change creates a premature translational stop signal (p.Asn190Lysfs*12) in the CHRNE gene. It is expected to result in an absent or disrupted protein product. Loss-of-function variants in CHRNE are known to be pathogenic (PMID: 22678886). This variant is not present in population databases (gnomAD no frequency). This premature translational stop signal has been observed in individual(s) with CHRNE-related conditions (PMID: 12417530). This variant is also known as 509insA. For these reasons, this variant has been classified as Pathogenic.

Literature cited by the submitters: PubMed 22678886 (cited by Labcorp Genetics (formerly Invitae), Labcorp); PubMed 12417530 (cited by Labcorp Genetics (formerly Invitae), Labcorp).